The following is an entry in ClinVar:

NM_001365999.1(SZT2):c.7887G>A (p.Met2629Ile)

Gene: SZT2 (SZT2 subunit of KICSTOR complex; plus strand). Cytogenetic location: 1p34.2.
Variant type: single nucleotide variant.
Coding change: c.7887G>A on transcript NM_001365999.1 (MANE Select); coding-DNA position 7887, G replaced by A.
Protein change: p.Met2629Ile; replaces methionine 2629 with isoleucine.
Molecular consequence: missense variant.
Genome position (GRCh38, 1-based): chr1:43,442,281, G>A. VCF-style: chr1-43442281-G-A. GRCh37 (hg19) VCF-style: chr1-43907952-G-A.
Other names: p.Met2572Ile; c.7716G>A, p.Met2572Ile (NM_015284.4); short protein forms M2572I, M2629I.
Identifiers: ClinVar variation 433094 (VCV000433094.7), dbSNP rs748723710, ClinGen allele CA810399.

ClinVar aggregate classification (germline): Uncertain significance. Review status: criteria provided, multiple submitters, no conflicts (2 of 4 stars). 3 submissions from 3 submitters: Uncertain significance (2). 1 of the submissions does not count toward it. Last evaluated 2024-08-12.

Conditions:
Self-limited epilepsy with centrotemporal spikes. Also called: Rolandic epilepsy; Childhood epilepsy with centrotemporal spikes. Identifiers: Orphanet 1945, MedGen C0376532, MONDO:0007295.

Allele frequency attached by ClinVar (database versions not stated): ExAC 0.00001; gnomAD 0.00001; gnomAD exomes 0.00001; TOPMed 0.00001.
gnomAD v4.1: 9 of 1,613,610 alleles (0.00056%); highest among the groups gnomAD compares: Admixed American, 0.005%; no homozygotes.

Submissions (3):

Mayo Clinic Laboratories, Mayo Clinic
Classification: Uncertain significance. Last evaluated: 2024-08-12. Review status: criteria provided, single submitter. Criteria: ACMG Guidelines, 2015. Collection method: clinical testing. Allele origin: germline. Observed: 1 variant allele.
Comment: BP4

Labcorp Genetics (formerly Invitae), Labcorp
Classification: Uncertain significance. Last evaluated: 2021-09-01. Review status: criteria provided, single submitter. Criteria: Invitae Variant Classification Sherloc (09022015). Collection method: clinical testing. Allele origin: germline.
Comment: This sequence change replaces methionine with isoleucine at codon 2572 of the SZT2 protein (p.Met2572Ile). The methionine residue is weakly conserved and there is a small physicochemical difference between methionine and isoleucine. This variant is present in population databases (rs748723710, ExAC 0.002%). This missense change has been observed in individual(s) with Rolandic epilepsy (PMID: 29358611). ClinVar contains an entry for this variant (Variation ID: 433094). Algorithms developed to predict the effect of missense changes on protein structure and function (SIFT, PolyPhen-2, Align-GVGD) all suggest that this variant is likely to be tolerated. In summary, the available evidence is currently insufficient to determine the role of this variant in disease. Therefore, it has been classified as a Variant of Uncertain Significance.

Bioinformatics Core, Luxembourg Center for Systems Biomedicine
Classification: Pathogenic for Self-limited epilepsy with centrotemporal spikes. Last evaluated: 2017-01-01. Review status: no assertion criteria provided. Collection method: case-control. Allele origin: germline. Affected: yes. Study: EUROEPINOMICS COGIE. Not counted in ClinVar's aggregate classification.

Literature cited by the submitters: PubMed 29358611 (cited by 3 submitters).